The following is an entry in ClinVar:

ClinVar aggregate classification (germline): Benign/Likely benign. Review status: criteria provided, multiple submitters, no conflicts (2 of 4 stars). 2 submissions from 2 submitters: Benign (1); Likely benign (1). Last evaluated 2019-12-31.

Conditions:
Renal hypodysplasia/aplasia 1 (RHDA1). Also called: RENAL APLASIA; HEREDITARY RENAL APLASIA. Identifiers: Orphanet 411709, MedGen C1619700, MONDO:0024519, OMIM 191830.

Allele frequency attached by ClinVar (database versions not stated): gnomAD 0.00054; 1000 Genomes Project 0.00060; TOPMed 0.00071; 1000 Genomes Project 30x 0.00094.

Submissions (2):

Labcorp Genetics (formerly Invitae), Labcorp
Classification: Benign. Last evaluated: 2019-12-31. Review status: criteria provided, single submitter. Criteria: Invitae Variant Classification Sherloc (09022015). Collection method: clinical testing. Allele origin: germline.

Illumina Laboratory Services, Illumina
Classification: Likely benign for Renal hypodysplasia/aplasia 1. Last evaluated: 2018-01-12. Review status: criteria provided, single submitter. Criteria: ICSL Variant Classification Criteria 13 December 2019. Collection method: clinical testing. Allele origin: germline.
Comment: This variant was observed in the ICSL laboratory as part of a predisposition screen in an ostensibly healthy population. It had not been previously curated by ICSL or reported in the Human Gene Mutation Database (HGMD: prior to June 1st, 2018), and was therefore a candidate for classification through an automated scoring system. Utilizing variant allele frequency, disease prevalence and penetrance estimates, and inheritance mode, an automated score was calculated to assess if this variant is too frequent to cause the disease. Based on the score and internal cut-off values, a variant classified as likely benign is not then subjected to further curation. The score for this variant resulted in a classification of likely benign for this disease.

NM_006953.4(UPK3A):c.90C>T (p.Phe30=)

Gene: UPK3A (uroplakin 3A; plus strand). Cytogenetic location: 22q13.31.
Variant type: single nucleotide variant.
Coding change: c.90C>T on transcript NM_006953.4 (MANE Select); coding-DNA position 90, C replaced by T.
Protein change: p.Phe30=; no amino-acid change (phenylalanine 30 retained).
Molecular consequence: synonymous variant.
Genome position (GRCh38, 1-based): chr22:45,285,978, C>T. VCF-style: chr22-45285978-C-T. GRCh37 (hg19) VCF-style: chr22-45681859-C-T.
Other names: c.90C>T, p.Phe30= (NM_001167574.2).
Identifiers: ClinVar variation 341969 (VCV000341969.10), dbSNP rs199656309, ClinGen allele CA10284275.